The following is an entry in ClinVar:

ClinVar aggregate classification (germline): Uncertain significance (1 of 4 stars; one submission).

Allele frequency attached by ClinVar (database versions not stated): gnomAD exomes 0.00001; gnomAD 0.00003; TOPMed 0.00003; ESP Exome Variant Server 0.00016.
gnomAD v4.1: 12 of 1,613,536 alleles (0.00074%); highest among the groups gnomAD compares: African/African-American, 0.0067%; no homozygotes.

Submission:

Laboratory for Molecular Medicine, Mass General Brigham Personalized Medicine
Classification: Uncertain significance. Last evaluated: 2016-08-04. Review status: criteria provided, single submitter. Criteria: LMM Criteria. Collection method: clinical testing. Allele origin: germline. Observed: 1 variant allele.
Comment: Variant classified as Uncertain Significance - Favor Benign. The p.Thr20925Ser v ariant in TTN has not been previously reported in individuals with cardiomyopath y but has been identified in 2/3870 African American chromosomes by the NHLBI Ex ome Sequencing Project (dbSNP rs375675901). T hreonine (Thr) at position 20925 is not conserved in evolutionarily distant spec ies and >20 species carry a serine (Ser) at this position, raising the possibili ty that this change may be tolerated. Additional computational prediction tools do not provide strong support for or against an impact to the protein. In summar y, while the clinical significance of the p.Thr20925Ser variant is uncertain, th e presence of the variant amino acid in multiple other species suggest that it i s more likely to be benign.

NM_001267550.2(TTN):c.70477A>T (p.Thr23493Ser)

Genes: TTN (titin; minus strand), TTN-AS1 (TTN antisense RNA 1; plus strand), LOC126806422 (BRD4-independent group 4 enhancer GRCh37_chr2:179440205-179441404; plus strand). Cytogenetic location: 2q31.2.
Variant type: single nucleotide variant.
Coding change: c.70477A>T on transcript NM_001267550.2 (MANE Select); coding-DNA position 70477, A replaced by T.
Protein change: p.Thr23493Ser; replaces threonine 23493 with serine.
Molecular consequence: missense variant.
Genome position (GRCh38, 1-based): chr2:178,575,655, T>A on the plus strand (A>T on the coding strand, the complement: TTN is on the minus strand). VCF-style: chr2-178575655-T-A. GRCh37 (hg19) VCF-style: chr2-179440382-T-A.
Other names: c.62773A>T, p.Thr20925Ser (NM_133378.4); c.65554A>T, p.Thr21852Ser (NM_001256850.1); c.43282A>T, p.Thr14428Ser (NM_003319.4); c.43657A>T, p.Thr14553Ser (NM_133432.3); c.43858A>T, p.Thr14620Ser (NM_133437.4); short protein forms T20925S, T23493S, T21852S, T14620S, T14553S, T14428S.
Identifiers: ClinVar variation 504541 (VCV000504541.5), dbSNP rs375675901, ClinGen allele CA61003070.